The following is an entry in ClinVar:

ClinVar aggregate classification (germline): Uncertain significance (1 of 4 stars; one submission).

Conditions:
Norman-Roberts syndrome (LIS2). Also called: Lissencephaly 2 (Norman-Roberts type). Identifiers: Orphanet 89844, MedGen C0796089, MONDO:0009760, OMIM 257320.
Familial temporal lobe epilepsy 7. Identifiers: Orphanet 101046, MedGen C4225327, MONDO:0014639, OMIM 616436.

Submission:

Labcorp Genetics (formerly Invitae), Labcorp
Classification: Uncertain significance for Familial temporal lobe epilepsy 7; Norman-Roberts syndrome. Last evaluated: 2022-04-13. Review status: criteria provided, single submitter. Criteria: Invitae Variant Classification Sherloc (09022015). Collection method: clinical testing. Allele origin: germline.
Comment: This sequence change replaces aspartic acid, which is acidic and polar, with glycine, which is neutral and non-polar, at codon 1499 of the RELN protein (p.Asp1499Gly). In summary, the available evidence is currently insufficient to determine the role of this variant in disease. Therefore, it has been classified as a Variant of Uncertain Significance. Algorithms developed to predict the effect of missense changes on protein structure and function are either unavailable or do not agree on the potential impact of this missense change (SIFT: "Deleterious"; PolyPhen-2: "Probably Damaging"; Align-GVGD: "Class C0"). This variant has not been reported in the literature in individuals affected with RELN-related conditions. This variant is not present in population databases (gnomAD no frequency).

NM_005045.4(RELN):c.4496A>G (p.Asp1499Gly)

Gene: RELN (reelin; minus strand). Cytogenetic location: 7q22.1.
Variant type: single nucleotide variant.
Coding change: c.4496A>G on transcript NM_005045.4 (MANE Select); coding-DNA position 4496, A replaced by G.
Protein change: p.Asp1499Gly; replaces aspartic acid 1499 with glycine.
Molecular consequence: missense variant.
Genome position (GRCh38, 1-based): chr7:103,574,107, T>C on the plus strand (A>G on the coding strand, the complement: RELN is on the minus strand). VCF-style: chr7-103574107-T-C. GRCh37 (hg19) VCF-style: chr7-103214554-T-C.
Other names: c.4496A>G, p.Asp1499Gly (NM_173054.3); short protein forms D1499G.
Identifiers: ClinVar variation 2126117 (VCV002126117.4), dbSNP rs2484754883, ClinGen allele CA368750242.